The following is an entry in ClinVar:

ClinVar aggregate classification (germline): Uncertain significance. Review status: criteria provided, multiple submitters, no conflicts (2 of 4 stars). 2 submissions from 2 submitters: Uncertain significance (2). Last evaluated 2025-08-23.

Conditions:
Dyskeratosis congenita. Identifiers: Orphanet 1775, MedGen C0265965, MONDO:0015780.
Inborn genetic diseases. Identifiers: MedGen C0950123, MeSH D030342.

Allele frequency attached by ClinVar (database versions not stated): gnomAD 0.00001; TOPMed 0.00001; gnomAD exomes 0.00003 and 0.00004; ExAC 0.00006; ESP Exome Variant Server 0.00008.
gnomAD v4.1: 41 of 1,395,010 alleles (0.0029%); highest among the groups gnomAD compares: Non-Finnish European, 0.0037%; no homozygotes.

Submissions (2):

Ambry Genetics
Classification: Uncertain significance for Inborn genetic diseases. Last evaluated: 2025-08-23. Review status: criteria provided, single submitter. Criteria: Ambry Variant Classification Scheme 2023. Collection method: clinical testing. Allele origin: germline.

Labcorp Genetics (formerly Invitae), Labcorp
Classification: Uncertain significance for Dyskeratosis congenita. Last evaluated: 2023-04-27. Review status: criteria provided, single submitter. Criteria: Invitae Variant Classification Sherloc (09022015). Collection method: clinical testing. Allele origin: germline.
Comment: In summary, the available evidence is currently insufficient to determine the role of this variant in disease. Therefore, it has been classified as a Variant of Uncertain Significance. An algorithm developed to predict the effect of missense changes on protein structure and function (PolyPhen-2) suggests that this variant¬† is likely to be tolerated. ClinVar contains an entry for this variant (Variation ID: 575990). This variant has not been reported in the literature in individuals affected with CTC1-related conditions. This variant is present in population databases (rs370153216, gnomAD 0.007%). This sequence change replaces glutamine, which is neutral and polar, with histidine, which is basic and polar, at codon 7 of the CTC1 protein (p.Gln7His).

NM_025099.6(CTC1):c.21G>C (p.Gln7His)

Genes: CTC1 (CST telomere replication complex component 1; minus strand), PFAS (phosphoribosylformylglycinamidine synthase; plus strand). Cytogenetic location: 17p13.1.
Variant type: single nucleotide variant.
Coding change: c.21G>C on transcript NM_025099.6 (MANE Select); coding-DNA position 21, G replaced by C.
Protein change: p.Gln7His; replaces glutamine 7 with histidine.
Molecular consequence: missense variant. On other transcripts: non-coding transcript variant (1).
Genome position (GRCh38, 1-based): chr17:8,248,016, C>G on the plus strand (G>C on the coding strand, the complement: CTC1 is on the minus strand). VCF-style: chr17-8248016-C-G. GRCh37 (hg19) VCF-style: chr17-8151334-C-G.
Other names: short protein forms Q7H.
Identifiers: ClinVar variation 575990 (VCV000575990.8), dbSNP rs370153216, ClinGen allele CA8372757.